The following is an entry in ClinVar:

ClinVar aggregate classification (germline): Likely benign. Review status: criteria provided, single submitter (1 of 4 stars). 2 submissions from 2 submitters: Likely benign (1). 1 of the submissions does not count toward it. Last evaluated 2021-12-27.

Conditions:
FREM1-related disorder. Also called: FREM1-Related Disorders; FREM1-related condition.

Allele frequency attached by ClinVar (database versions not stated): gnomAD 0.00001; gnomAD exomes 0.00001; TOPMed 0.00002; ExAC 0.00004; ESP Exome Variant Server 0.00008.
gnomAD v4.1: 12 of 1,613,728 alleles (0.00074%); highest among the groups gnomAD compares: Admixed American, 0.018%; no homozygotes.

Submissions (2):

Labcorp Genetics (formerly Invitae), Labcorp
Classification: Likely benign. Last evaluated: 2021-12-27. Review status: criteria provided, single submitter. Criteria: Invitae Variant Classification Sherloc (09022015). Collection method: clinical testing. Allele origin: germline.

PreventionGenetics, part of Exact Sciences
Classification: Likely benign for FREM1-related condition. Last evaluated: 2022-02-21. Review status: no assertion criteria provided. Collection method: clinical testing. Allele origin: germline. Not counted in ClinVar's aggregate classification.
Comment: This variant is classified as likely benign based on ACMG/AMP sequence variant interpretation guidelines (Richards et al. 2015 PMID: 25741868, with internal and published modifications).

NM_001379081.2(FREM1):c.693A>G (p.Gly231=)

Gene: FREM1 (FRAS1 related extracellular matrix 1; minus strand). Cytogenetic location: 9p22.3.
Variant type: single nucleotide variant.
Coding change: c.693A>G on transcript NM_001379081.2 (MANE Select); coding-DNA position 693, A replaced by G.
Protein change: p.Gly231=; no amino-acid change (glycine 231 retained).
Molecular consequence: synonymous variant. On other transcripts: non-coding transcript variant (4).
Genome position (GRCh38, 1-based): chr9:14,857,688, T>C on the plus strand (A>G on the coding strand, the complement: FREM1 is on the minus strand). VCF-style: chr9-14857688-T-C. GRCh37 (hg19) VCF-style: chr9-14857686-T-C.
Other names: c.693A>G (NM_144966.5); c.720A>G, p.Gly240= (NM_001370060.1); c.693A>G, p.Gly231= (NM_001370063.1, NM_001370065.1, NM_144966.7).
Identifiers: ClinVar variation 1925069 (VCV001925069.7), dbSNP rs368738176, ClinGen allele CA4991489.